The following is an entry in ClinVar:

ClinVar aggregate classification (germline): Uncertain significance (1 of 4 stars; one submission).

Allele frequency attached by ClinVar (database versions not stated): gnomAD exomes below 0.00001.
gnomAD v4.1: 2 of 1,211,728 alleles (0.00017%); highest among the groups gnomAD compares: South Asian, 0.0035%; no homozygotes.

Submission:

Labcorp Genetics (formerly Invitae), Labcorp
Classification: Uncertain significance. Last evaluated: 2025-08-13. Review status: criteria provided, single submitter. Criteria: Invitae Variant Classification Sherloc (09022015). Collection method: clinical testing. Allele origin: germline.
Comment: This sequence change replaces isoleucine, which is neutral and non-polar, with threonine, which is neutral and polar, at codon 449 of the SH3KBP1 protein (p.Ile449Thr). This variant is not present in population databases (gnomAD no frequency). This variant has not been reported in the literature in individuals affected with SH3KBP1-related conditions. ClinVar contains an entry for this variant (Variation ID: 2119456). Invitae Evidence Modeling of protein sequence and biophysical properties (such as structural, functional, and spatial information, amino acid conservation, physicochemical variation, residue mobility, and thermodynamic stability) indicates that this missense variant is not expected to disrupt SH3KBP1 protein function with a negative predictive value of 80%. In summary, the available evidence is currently insufficient to determine the role of this variant in disease. Therefore, it has been classified as a Variant of Uncertain Significance.

NM_031892.3(SH3KBP1):c.1346T>C (p.Ile449Thr)

Gene: SH3KBP1 (SH3 domain containing kinase binding protein 1; minus strand). Cytogenetic location: Xp22.12.
Variant type: single nucleotide variant.
Coding change: c.1346T>C on transcript NM_031892.3 (MANE Select); coding-DNA position 1346, T replaced by C.
Protein change: p.Ile449Thr; replaces isoleucine 449 with threonine.
Molecular consequence: missense variant.
Genome position (GRCh38, 1-based): chrX:19,569,141, A>G on the plus strand (T>C on the coding strand, the complement: SH3KBP1 is on the minus strand). VCF-style: chrX-19569141-A-G. GRCh37 (hg19) VCF-style: chrX-19587259-A-G.
Other names: c.1235T>C, p.Ile412Thr (NM_001024666.3); c.632T>C, p.Ile211Thr (NM_001184960.2, NM_001353897.2); c.1346T>C, p.Ile449Thr (NM_001353890.2); c.1421T>C, p.Ile474Thr (NM_001353891.2, NM_001353892.2); c.1244T>C, p.Ile415Thr (NM_001353893.2, NM_001353894.2); c.1301T>C, p.Ile434Thr (NM_001353895.2); c.1478T>C, p.Ile493Thr (NM_001410756.1, NM_001410757.1); c.1169T>C, p.Ile390Thr (NM_001410758.1); short protein forms I211T, I412T, I449T, I493T, I434T, I390T, I415T, I474T.
Identifiers: ClinVar variation 2119456 (VCV002119456.4), dbSNP rs764969436, ClinGen allele CA412498177.